The following is an entry in ClinVar:

ClinVar aggregate classification (germline): Likely benign. Review status: criteria provided, multiple submitters, no conflicts (2 of 4 stars). 3 submissions from 3 submitters: Likely benign (3). Last evaluated 2026-01-17.

Conditions:
VPS13B-related disorder. Also called: VPS13B-related condition.
Cohen syndrome (COH1). Also called: PEPPER SYNDROME; Cutis verticis gyrata, retinitis pigmentosa, and sensorineural deafness. Identifiers: Orphanet 193, MedGen C0265223, MONDO:0008999, OMIM 216550.

Allele frequency attached by ClinVar (database versions not stated): TOPMed below 0.00001; ExAC 0.00001; gnomAD 0.00001.
gnomAD v4.1: 7 of 1,605,596 alleles (0.00044%); highest among the groups gnomAD compares: African/African-American, 0.0027%; no homozygotes.

Submissions (3):

Labcorp Genetics (formerly Invitae), Labcorp
Classification: Likely benign for Cohen syndrome. Last evaluated: 2026-01-17. Review status: criteria provided, single submitter. Criteria: Invitae Variant Classification Sherloc (09022015). Collection method: clinical testing. Allele origin: germline.

PreventionGenetics, part of Exact Sciences
Classification: Likely benign for VPS13B-related condition. Last evaluated: 2025-05-15. Review status: criteria provided, single submitter. Criteria: ACMG Guidelines, 2015. Collection method: clinical testing. Allele origin: germline.
Comment: This variant is classified as likely benign based on ACMG/AMP sequence variant interpretation guidelines (Richards et al. 2015 PMID: 25741868, with internal and published modifications).

Blueprint Genetics
Classification: Likely benign. Last evaluated: 2024-03-04. Review status: criteria provided, single submitter. Criteria: ACMG Guidelines, 2015. Collection method: clinical testing. Allele origin: germline.

NM_152564.5(VPS13B):c.11392+7C>T

Gene: VPS13B (vacuolar protein sorting 13 homolog B; plus strand). Cytogenetic location: 8q22.2.
Variant type: single nucleotide variant.
Coding change: c.11392+7C>T on transcript NM_152564.5 (MANE Select); 7 bases into the intron after coding-DNA position 11392, C replaced by T.
Molecular consequence: intron variant.
Genome position (GRCh38, 1-based): chr8:99,868,472, C>T. VCF-style: chr8-99868472-C-T. GRCh37 (hg19) VCF-style: chr8-100880700-C-T.
Other names: c.11392+7C>T (NM_152564.4); c.11467+7C>T (NM_017890.5).
Identifiers: ClinVar variation 1979431 (VCV001979431.6), dbSNP rs759898701, ClinGen allele CA4825218.
Genomic context (GRCh38, chr8:99,868,472, plus strand): 5'-TGTTCACAAAGCCCATCGGAGGAGCTGCTGAGCTGGTGTCACAGACTGGCTATGGTAAGT[C>T]GGTGGAAAACCCATCAGGCCAACCCAGACGTTACTGATTTGCATGCTTATACCAAGGGTT-3'